The following is an entry in ClinVar:

NM_017841.4(SDHAF2):c.315T>A (p.Tyr105Ter)

Gene: SDHAF2 (succinate dehydrogenase complex assembly factor 2; plus strand). Cytogenetic location: 11q12.2.
Variant type: single nucleotide variant.
Coding change: c.315T>A on transcript NM_017841.4 (MANE Select); coding-DNA position 315, T replaced by A.
Protein change: p.Tyr105Ter; replaces tyrosine 105 with a stop codon.
Molecular consequence: nonsense.
Genome position (GRCh38, 1-based): chr11:61,438,058, T>A. VCF-style: chr11-61438058-T-A. GRCh37 (hg19) VCF-style: chr11-61205530-T-A.
Other names: short protein forms Y105*.
Identifiers: ClinVar variation 823022 (VCV000823022.46), dbSNP rs750979204, ClinGen allele CA380684134.

ClinVar aggregate classification (germline): Pathogenic/Likely pathogenic. Review status: criteria provided, multiple submitters, no conflicts (2 of 4 stars). 9 submissions from 9 submitters: Pathogenic (6); Likely pathogenic (3). Last evaluated 2026-07-13.

Conditions:
Hereditary cancer-predisposing syndrome. Also called: Hereditary neoplastic syndrome; Neoplastic Syndromes, Hereditary; Tumor predisposition; Hereditary Cancer Syndrome. Identifiers: Orphanet 140162, MedGen C0027672, MeSH D009386, MONDO:0015356.
SDHAF2-related disorder. Also called: SDHAF2-related condition.
Hereditary pheochromocytoma and paraganglioma. Also called: Hereditary pheochromocytoma-paraganglioma; Hereditary paragangliomas and pheochromocytomas; Hereditary Paraganglioma-Pheochromocytoma Syndromes. Identifiers: Orphanet 29072, MedGen C4274332, MONDO:0017366.
Pheochromocytoma/paraganglioma syndrome 2. Also called: SDHAF2-Related Hereditary Paraganglioma-Pheochromocytoma Syndrome (Paragangliomas 2); SDHAF2-Related Hereditary Paraganglioma-Pheochromocytoma Syndrome; GLOMUS TUMORS, FAMILIAL, 2; Paragangliomas 2. Identifiers: Orphanet 29072, MedGen C1866552, MONDO:0011121, OMIM 601650.

gnomAD v4.1: 4 of 1,614,150 alleles (0.00025%); highest among the groups gnomAD compares: Non-Finnish European, 0.00025%; no homozygotes.

Submissions (9):

PreventionGenetics, part of Exact Sciences
Classification: Pathogenic for SDHAF2-related condition. Last evaluated: 2026-07-13. Review status: criteria provided, single submitter. Criteria: ACMG Guidelines, 2015. Collection method: clinical testing. Allele origin: germline.
Comment: The SDHAF2 c.315T>A variant is predicted to result in premature protein termination (p.Tyr105*). This variant has been observed in an individual with ovarian carcinosarcoma (Sia et al. 2023. PubMed ID: 37149903). This variant is not present in a large population database (gnomAD) and has been interpreted as pathogenic/likely pathogenic in the ClinVar database (Variation ID: 823022). Nonsense variants in SDHAF2 are expected to be pathogenic. This variant is interpreted as pathogenic.

GeneDx
Classification: Likely pathogenic. Last evaluated: 2026-02-03. Review status: criteria provided, single submitter. Criteria: GeneDx Variant Classification Process June 2021. Collection method: clinical testing. Allele origin: germline.
Comment: Nonsense variant predicted to result in protein truncation or nonsense mediated decay in a gene for which loss of function is a known mechanism of disease; Not observed at significant frequency in large population cohorts (gnomAD); Observed in an individual with ovarian carcinosarcoma (PMID: 37149903); This variant is associated with the following publications: (PMID: 37149903)

Labcorp Genetics (formerly Invitae), Labcorp
Classification: Pathogenic for Hereditary pheochromocytoma and paraganglioma. Last evaluated: 2025-12-03. Review status: criteria provided, single submitter. Criteria: Invitae Variant Classification Sherloc (09022015). Collection method: clinical testing. Allele origin: germline.
Comment: This sequence change creates a premature translational stop signal (p.Tyr105*) in the SDHAF2 gene. It is expected to result in an absent or disrupted protein product. Loss-of-function variants in SDHAF2 are known to be pathogenic (PMID: 22241717, 26096992). This variant is not present in population databases (gnomAD no frequency). This variant has not been reported in the literature in individuals affected with SDHAF2-related conditions. ClinVar contains an entry for this variant (Variation ID: 823022). For these reasons, this variant has been classified as Pathogenic.

Color Diagnostics, LLC DBA Color Health
Classification: Pathogenic for Hereditary pheochromocytoma and paraganglioma. Last evaluated: 2025-06-19. Review status: criteria provided, single submitter. Criteria: ACMG Guidelines, 2015. Collection method: clinical testing. Allele origin: germline.
Comment: This variant changes 1 nucleotide in exon 3 (4 total exons) of the SDHAF2 gene, creating a premature translation stop signal. This variant is close to the NMD border region (50-55 nucleotides upstream of the 3' end of the penultimate exon), but is expected to result in an absent or non-functional protein product. This variant removes the C-terminal 62 amino acids of SDHAF2. Deletion of the C-terminal 15 residues of SDHAF2 has been shown to abolish binding to and flavinylation of SDHA (PMID: 32887801). To our knowledge, this variant has not been reported in individuals affected with SDHAF2-related disorders in the literature. This variant has not been identified in the general population by the Genome Aggregation Database (gnomAD). Based on the available evidence, this variant is classified as Pathogenic.

Variantyx, Inc.
Classification: Likely pathogenic for Pheochromocytoma/paraganglioma syndrome 2. Last evaluated: 2025-03-07. Review status: criteria provided, single submitter. Criteria: Variantyx Assertion Criteria 2022. Collection method: clinical testing. Allele origin: germline.
Comment: This is a nonsense variant in the SDHAF2 gene (OMIM: 613019). Pathogenic variants in this gene have been associated with autosomal dominant pheochromocytoma/paraganglioma syndrome 2. This variant introduces a premature termination codon in exon 3 out of 4. It is expected to result in loss of function, which is a known disease mechanism for SDHAF2 in this disorder (PMID: 22241717, 26096992, 31687641) (PVS1). This variant has a 0.0003% maximum allele frequency in non-founder control populations (PM2_Supporting). Based on the current evidence, this variant is classified as likely pathogenic for autosomal dominant pheochromocytoma/paraganglioma syndrome 2.

Clinical Genetics Laboratory, University Hospital Schleswig-Holstein
Classification: Pathogenic for Pheochromocytoma/paraganglioma syndrome 2. Last evaluated: 2025-02-13. Review status: criteria provided, single submitter. Criteria: ACMG Guidelines, 2015. Collection method: clinical testing. Allele origin: maternal. Affected: yes. Observed: 2 heterozygotes.
Comment: ACMG criteria applied: PM2, PS4, PVS1

Ambry Genetics
Classification: Likely pathogenic for Hereditary cancer-predisposing syndrome. Last evaluated: 2025-01-30. Review status: criteria provided, single submitter. Criteria: Ambry Variant Classification Scheme 2023. Collection method: clinical testing. Allele origin: germline.
Comment: The p.Y105* variant (also known as c.315T>A), located in coding exon 3 of the SDHAF2 gene, results from a T to A substitution at nucleotide position 315. This changes the amino acid from a tyrosine to a stop codon within coding exon 3. Premature stop codons are typically deleterious in nature, however, this stop codon occurs at the 3' terminus of SDHAF2, is not expected to trigger nonsense-mediated mRNA decay, and impacts only the last 62 amino acids of the protein. The exact functional impact of these removed amino acids is unknown at this time; however, structural analysis suggests that this alteration is predicted to disrupt a conserved domain of the protein (Ambry internal data). Based on the majority of available evidence to date, this variant is likely to be pathogenic.

All of Us Research Program, National Institutes of Health
Classification: Pathogenic for Hereditary pheochromocytoma and paraganglioma. Last evaluated: 2024-01-08. Review status: criteria provided, single submitter. Criteria: ACMG Guidelines, 2015. Collection method: clinical testing. Allele origin: germline. Inheritance: Autosomal dominant inheritance. Observed: 3 variant alleles, 3 heterozygotes.
Comment: This variant changes 1 nucleotide in exon 3 (4 total exons) of the SDHAF2 gene, creating a premature translation stop signal. This variant is close to the NMD border region (50-55 nucleotides upstream of the 3' end of the penultimate exon), but is expected to result in an absent or non-functional protein product. This variant removes the C-terminal 62 amino acids of SDHAF2. Deletion of the C-terminal 15 residues of SDHAF2 has been shown to abolish binding to and flavinylation of SDHA (PMID: 32887801). To our knowledge, this variant has not been reported in individuals affected with SDHAF2-related disorders in the literature. This variant has not been identified in the general population by the Genome Aggregation Database (gnomAD). Based on the available evidence, this variant is classified as Pathogenic.

This study involves interpretation of variants in research participants for the purpose of population health screening. Participant phenotype was not available at the time of variant classification. Additional details can be found in publication PMID: 35346344, PMCID: PMC8962531

CeGaT Center for Human Genetics Tuebingen
Classification: Pathogenic. Last evaluated: 2022-12-01. Review status: criteria provided, single submitter. Criteria: CeGaT Center For Human Genetics Tuebingen Variant Classification Criteria Version 2. Collection method: clinical testing. Allele origin: germline. Affected: yes. Observed: 1 variant allele.
Comment: SDHAF2: PVS1, PM2

Literature cited by the submitters: PubMed 22241717 (cited by Labcorp Genetics (formerly Invitae), Labcorp); PubMed 26096992 (cited by Labcorp Genetics (formerly Invitae), Labcorp); PubMed 32887801 (cited by Color Diagnostics, LLC DBA Color Health and All of Us Research Program, National Institutes of Health).